The following is an entry in ClinVar:

NM_003640.5(ELP1):c.2714T>C (p.Met905Thr)

Gene: ELP1 (elongator acetyltransferase complex subunit 1; minus strand). Cytogenetic location: 9q31.3.
Variant type: single nucleotide variant.
Coding change: c.2714T>C on transcript NM_003640.5 (MANE Select); coding-DNA position 2714, T replaced by C.
Protein change: p.Met905Thr; replaces methionine 905 with threonine.
Molecular consequence: missense variant.
Genome position (GRCh38, 1-based): chr9:108,896,518, A>G on the plus strand (T>C on the coding strand, the complement: ELP1 is on the minus strand). VCF-style: chr9-108896518-A-G. GRCh37 (hg19) VCF-style: chr9-111658798-A-G.
Other names: c.2372T>C, p.Met791Thr (NM_001318360.2); c.1667T>C, p.Met556Thr (NM_001330749.2); short protein forms M556T, M791T, M905T.
Identifiers: ClinVar variation 1799811 (VCV001799811.2), dbSNP rs1828552508, ClinGen allele CA374419797.

ClinVar aggregate classification (germline): Uncertain significance (1 of 4 stars; one submission).

Submission:

Ambry Genetics
Classification: Uncertain significance. Last evaluated: 2021-12-02. Review status: criteria provided, single submitter. Criteria: Ambry Variant Classification Scheme 2023. Collection method: clinical testing. Allele origin: germline.
Comment: The p.M905T variant (also known as c.2714T>C), located in coding exon 24 of the IKBKAP gene, results from a T to C substitution at nucleotide position 2714. The methionine at codon 905 is replaced by threonine, an amino acid with similar properties. This amino acid position is conserved. In addition, this alteration is predicted to be deleterious by in silico analysis. Since supporting evidence is limited at this time, the clinical significance of this alteration remains unclear.